The following is an entry in ClinVar:

ClinVar aggregate classification (germline): Uncertain significance (1 of 4 stars; one submission).

Submission:

CeGaT Center for Human Genetics Tuebingen
Classification: Uncertain significance. Last evaluated: 2022-10-01. Review status: criteria provided, single submitter. Criteria: CeGaT Center For Human Genetics Tuebingen Variant Classification Criteria Version 2. Collection method: clinical testing. Allele origin: germline. Affected: yes. Observed: 1 variant allele.
Comment: RYR1: PM2, PP3

NM_000540.3(RYR1):c.5465G>A (p.Gly1822Asp)

Gene: RYR1 (ryanodine receptor 1; plus strand). Cytogenetic location: 19q13.2.
Variant type: single nucleotide variant.
Coding change: c.5465G>A on transcript NM_000540.3 (MANE Select); coding-DNA position 5465, G replaced by A.
Protein change: p.Gly1822Asp; replaces glycine 1822 with aspartic acid.
Molecular consequence: missense variant.
Genome position (GRCh38, 1-based): chr19:38,486,120, G>A. VCF-style: chr19-38486120-G-A. GRCh37 (hg19) VCF-style: chr19-38976760-G-A.
Other names: c.5465G>A, p.Gly1822Asp (NM_001042723.2); short protein forms G1822D.
Identifiers: ClinVar variation 2649797 (VCV002649797.24), dbSNP rs2514230489, ClinGen allele CA405655473.
Genomic context (GRCh38, chr19:38,486,120, plus strand): 5'-TCCCGCTGGAGGCCCTGCGGGACAAGGCACTGAGGATGCTGGGGGAGGCGGTGCGCGACG[G>A]TGGGCAGCACGCTCGCGACCCCGTCGGGGGCTCCGTGGAGTTCCAGTTTGTGCCTGTGCT-3'
Protein context (NP_000531.2, residues 1812-1832): LRMLGEAVRD[Gly1822Asp]GQHARDPVGG